The following is an entry in ClinVar:

NM_000092.5(COL4A4):c.3560G>C (p.Gly1187Ala)

Gene: COL4A4 (collagen type IV alpha 4 chain; minus strand). Cytogenetic location: 2q36.3.
Variant type: single nucleotide variant.
Coding change: c.3560G>C on transcript NM_000092.5 (MANE Select); coding-DNA position 3560, G replaced by C.
Protein change: p.Gly1187Ala; replaces glycine 1187 with alanine.
Molecular consequence: missense variant.
Genome position (GRCh38, 1-based): chr2:227,033,427, C>G on the plus strand (G>C on the coding strand, the complement: COL4A4 is on the minus strand). VCF-style: chr2-227033427-C-G. GRCh37 (hg19) VCF-style: chr2-227898143-C-G.
Other names: short protein forms G1187A.
Identifiers: ClinVar variation 3236042 (VCV003236042.1), dbSNP rs1197476541, ClinGen allele CA350838018.

ClinVar aggregate classification (germline): Likely pathogenic (1 of 4 stars; one submission).

Conditions:
Autosomal recessive Alport syndrome (ATS2). Also called: COL4A4 Alport Syndrome and Thin Basement Membrane Nephropathy; ALPORT SYNDROME 2, AUTOSOMAL RECESSIVE; Alport syndrome type 2; COL4A3-Related Nephropathy. Identifiers: Orphanet 63, Orphanet 88919, MedGen C4746745, MONDO:0008762, OMIM 203780.

Submission:

MVZ Medizinische Genetik Mainz
Classification: Likely pathogenic for Autosomal recessive Alport syndrome. Last evaluated: 2023-05-09. Review status: criteria provided, single submitter. Criteria: UK Practice Guidelines For Variant Classification V4 01 2020. Collection method: clinical testing. Allele origin: germline. Inheritance: Autosomal dominant inheritance. Observed: 1 variant allele.
Comment: ACMG Criteria: PM1_STR,PM5,PM2_SUP,PP3,PP4